The following is an entry in ClinVar:

NM_018847.4(KLHL9):c.1268T>C (p.Met423Thr)

Gene: KLHL9 (kelch like family member 9; minus strand). Cytogenetic location: 9p21.3.
Variant type: single nucleotide variant.
Coding change: c.1268T>C on transcript NM_018847.4 (MANE Select); coding-DNA position 1268, T replaced by C.
Protein change: p.Met423Thr; replaces methionine 423 with threonine.
Molecular consequence: missense variant.
Genome position (GRCh38, 1-based): chr9:21,333,592, A>G on the plus strand (T>C on the coding strand, the complement: KLHL9 is on the minus strand). VCF-style: chr9-21333592-A-G. GRCh37 (hg19) VCF-style: chr9-21333591-A-G.
Other names: short protein forms M423T.
Identifiers: ClinVar variation 1956926 (VCV001956926.5), dbSNP rs2537380673, ClinGen allele CA373069389.

ClinVar aggregate classification (germline): Uncertain significance (1 of 4 stars; one submission).

Allele frequency attached by ClinVar (database versions not stated): gnomAD exomes below 0.00001.

Submission:

Labcorp Genetics (formerly Invitae), Labcorp
Classification: Uncertain significance. Last evaluated: 2022-03-13. Review status: criteria provided, single submitter. Criteria: Invitae Variant Classification Sherloc (09022015). Collection method: clinical testing. Allele origin: germline.
Comment: This sequence change replaces methionine, which is neutral and non-polar, with threonine, which is neutral and polar, at codon 423 of the KLHL9 protein (p.Met423Thr). In summary, the available evidence is currently insufficient to determine the role of this variant in disease. Therefore, it has been classified as a Variant of Uncertain Significance. Algorithms developed to predict the effect of missense changes on protein structure and function are either unavailable or do not agree on the potential impact of this missense change (SIFT: "Not Available"; PolyPhen-2: "Benign"; Align-GVGD: "Not Available"). This variant has not been reported in the literature in individuals affected with KLHL9-related conditions. This variant is not present in population databases (gnomAD no frequency).